The following is an entry in ClinVar:

NM_206933.4(USH2A):c.199T>G (p.Cys67Gly)

Gene: USH2A (usherin; minus strand). Cytogenetic location: 1q41.
Variant type: single nucleotide variant.
Coding change: c.199T>G on transcript NM_206933.4 (MANE Select); coding-DNA position 199, T replaced by G.
Protein change: p.Cys67Gly; replaces cysteine 67 with glycine.
Molecular consequence: missense variant.
Genome position (GRCh38, 1-based): chr1:216,422,138, A>C on the plus strand (T>G on the coding strand, the complement: USH2A is on the minus strand). VCF-style: chr1-216422138-A-C. GRCh37 (hg19) VCF-style: chr1-216595480-A-C.
Other names: c.199T>G, p.Cys67Gly (NM_007123.6); short protein forms C67G.
Identifiers: ClinVar variation 1327151 (VCV001327151.3), dbSNP rs2102788868, ClinGen allele CA344904584.

ClinVar aggregate classification (germline): Likely pathogenic (1 of 4 stars; one submission).

Conditions:
Usher syndrome type 2A. Also called: USHER SYNDROME, TYPE IIA; RETINAL DISEASE IN USHER SYNDROME TYPE IIA, MODIFIER OF. Identifiers: Orphanet 231178, Orphanet 886, MedGen C1848634, MONDO:0010169, OMIM 276901.

Submission:

Institute of Human Genetics, University of Goettingen
Classification: Likely pathogenic for Usher syndrome type 2A. Last evaluated: 2021-12-06. Review status: criteria provided, single submitter. Criteria: ACMG Guidelines, 2015. Collection method: clinical testing. Allele origin: paternal. Inheritance: Autosomal recessive inheritance. Affected: yes. Observed: 1 compound heterozygote.
Comment: The variant c.199T>G (p.(Cys67Gly)) in exon 2 of the USH2A-gene is not found in the gnomAD database, it affects a moderately conserved nucleotide, a moderately conserved amino acid within a protein domain and there is a large physicochemical difference between Cys and Gly. This variant has a pathogenic computational verdict based on 8 pathogenic predictions from BayesDel_addAF, EIGEN, FATHMM-MKL, M-CAP, MVP, MutationAssessor, MutationTaster and SIFT vs 4 benign predictions from DANN, DEOGEN2, LIST-S2 and PrimateAI. ACMG criteria used for classification: PM2, PM3, PP3, PP2.